The following is an entry in ClinVar:

ClinVar aggregate classification (germline): Likely pathogenic (1 of 4 stars; one submission).

Conditions:
Charlevoix-Saguenay spastic ataxia (SACS). Also called: AUTOSOMAL RECESSIVE SPASTIC ATAXIA OF CHARLEVOIX-SAGUENAY; Spastic ataxia of Charlevoix-Saguenay; SPASTIC ATAXIA 6, AUTOSOMAL RECESSIVE. Identifiers: Orphanet 98, MedGen C1849140, MONDO:0010041, OMIM 270550.

Submission:

Natera, Inc.
Classification: Likely pathogenic for Charlevoix-Saguenay type spastic ataxia. Last evaluated: 2024-12-23. Review status: criteria provided, single submitter. Criteria: Natera Variant Classification Schema (03/2026). Collection method: clinical testing. Allele origin: germline.
Comment: The c.12482del variant in SACS is a frameshift variant predicted to shift the reading frame beginning at codon 4161 and leads to a stop codon 13 codons downstream. This variant is expected to result in nonsense mediated decay, truncation, or a dysfunctional protein product. This variant is rare in the general population with a frequency below the threshold expected for the associated phenotype(s). Given the available evidence, this variant is classified as Likely Pathogenic.

NM_014363.6(SACS):c.12482del (p.Pro4161fs)

Gene: SACS (sacsin molecular chaperone; minus strand). Cytogenetic location: 13q12.12.
Variant type: Deletion.
Coding change: c.12482del on transcript NM_014363.6 (MANE Select); coding-DNA position 12482, one base deleted (C; older notation c.12482delC).
Protein change: p.Pro4161fs; shifts the reading frame from proline 4161.
Molecular consequence: frameshift variant.
Genome position (GRCh38, 1-based): chr13:23,331,394, G deleted on the plus strand (C on the coding strand, the reverse complement: SACS is on the minus strand); the first of 2 consecutive G bases (chr13:23,331,394-23,331,395); deleting either gives the same sequence. VCF-style (leftmost placement, unchanged base first): chr13-23331393-AG-A. GRCh37 (hg19) VCF-style: chr13-23905532-AG-A.
Other names: c.12041del, p.Pro4014fs (NM_001278055.2); c.12509del, p.Pro4170fs (NM_001437336.1); short protein forms P4014fs, P4161fs, P4170fs.
Identifiers: ClinVar variation 4815677 (VCV004815677.1).
Genomic context (GRCh38, chr13:23,331,393, plus strand): 5'-ATATTCTCCCGGGTAAAAAACATTCATTGGGTCCATAAGCAGAGTGTAATGAATTTCAGC[AG>A]GAATTGGTGTGCCAGGCATTGGAAGTTCCAGTTTTGATGGCTCCGAAGAGTCATATTTCA-3'